The following is an entry in ClinVar:

ClinVar aggregate classification (germline): Uncertain significance. Review status: criteria provided, multiple submitters, no conflicts (2 of 4 stars). 2 submissions from 2 submitters: Uncertain significance (2). Last evaluated 2026-01-08.

Submissions (2):

Dasa
Classification: Uncertain significance. Last evaluated: 2026-01-08. Review status: criteria provided, single submitter. Criteria: DASA Assertion Criteria. Collection method: clinical testing. Allele origin: germline.
Comment: NM_006005.3(WFS1):c.164G>A (p.Arg55Lys) is a missense variant that results in the substitution of arginine with lysine. This variant is rare in population databases. Computational prediction algorithms are consistent with a benign effect. The currently available literature and clinical evidence are not sufficient to establish a definitive association between this variant and the reported condition. Therefore, this variant is classified as a variant of uncertain significance.

Labcorp Genetics (formerly Invitae), Labcorp
Classification: Uncertain significance. Last evaluated: 2024-01-17. Review status: criteria provided, single submitter. Criteria: Invitae Variant Classification Sherloc (09022015). Collection method: clinical testing. Allele origin: germline.
Comment: This sequence change replaces arginine, which is basic and polar, with lysine, which is basic and polar, at codon 55 of the WFS1 protein (p.Arg55Lys). This variant is not present in population databases (gnomAD no frequency). This variant has not been reported in the literature in individuals affected with WFS1-related conditions. ClinVar contains an entry for this variant (Variation ID: 1373640). Advanced modeling of protein sequence and biophysical properties (such as structural, functional, and spatial information, amino acid conservation, physicochemical variation, residue mobility, and thermodynamic stability) performed at Invitae indicates that this missense variant is not expected to disrupt WFS1 protein function with a negative predictive value of 95%. In summary, the available evidence is currently insufficient to determine the role of this variant in disease. Therefore, it has been classified as a Variant of Uncertain Significance.

NM_006005.3(WFS1):c.164G>A (p.Arg55Lys)

Gene: WFS1 (wolframin ER transmembrane glycoprotein; plus strand). Cytogenetic location: 4p16.1.
Variant type: single nucleotide variant.
Coding change: c.164G>A on transcript NM_006005.3 (MANE Select); coding-DNA position 164, G replaced by A.
Protein change: p.Arg55Lys; replaces arginine 55 with lysine.
Molecular consequence: missense variant.
Genome position (GRCh38, 1-based): chr4:6,277,619, G>A. VCF-style: chr4-6277619-G-A. GRCh37 (hg19) VCF-style: chr4-6279346-G-A.
Other names: c.164G>A, p.Arg55Lys (NM_001145853.1); short protein forms R55K.
Identifiers: ClinVar variation 1373640 (VCV001373640.8), dbSNP rs2109108048, ClinGen allele CA356169758.